The following is an entry in ClinVar:

NM_000038.6(APC):c.2371C>G (p.His791Asp)

Gene: APC (APC regulator of Wnt signaling pathway; plus strand). Cytogenetic location: 5q22.2.
Variant type: single nucleotide variant.
Coding change: c.2371C>G on transcript NM_000038.6 (MANE Select); coding-DNA position 2371, C replaced by G.
Protein change: p.His791Asp; replaces histidine 791 with aspartic acid.
Molecular consequence: missense variant.
Genome position (GRCh38, 1-based): chr5:112,837,965, C>G. VCF-style: chr5-112837965-C-G. GRCh37 (hg19) VCF-style: chr5-112173662-C-G.
Other names: c.2371C>G, p.His791Asp (NM_001127510.3, NM_001354895.2); c.2317C>G, p.His773Asp (NM_001127511.3); c.2425C>G, p.His809Asp (NM_001354896.2); c.2401C>G, p.His801Asp (NM_001354897.2); c.2296C>G, p.His766Asp (NM_001354898.2); c.2287C>G, p.His763Asp (NM_001354899.2); c.2248C>G, p.His750Asp (NM_001354900.2); c.2194C>G, p.His732Asp (NM_001354901.2); and 5 more; short protein forms H773D, H791D, H665D, H700D, H508D, H631D, H690D, H732D.
Identifiers: ClinVar variation 411446 (VCV000411446.4), dbSNP rs1060503309, ClinGen allele CA16026538.

ClinVar aggregate classification (germline): Uncertain significance. Review status: criteria provided, multiple submitters, no conflicts (2 of 4 stars). 2 submissions from 2 submitters: Uncertain significance (2). Last evaluated 2025-09-12.

Conditions:
Familial adenomatous polyposis 1 (FAP1). Also called: FAMILIAL ADENOMATOUS POLYPOSIS 1, ATTENUATED; POLYPOSIS, ADENOMATOUS INTESTINAL. Identifiers: MedGen C2713442, MONDO:0021056, OMIM 175100. Disease mechanism: loss of function.
Hereditary cancer-predisposing syndrome. Also called: Tumor predisposition; Hereditary Cancer Syndrome; Hereditary neoplastic syndrome; Neoplastic Syndromes, Hereditary. Identifiers: Orphanet 140162, MedGen C0027672, MeSH D009386, MONDO:0015356.

Allele frequency attached by ClinVar (database versions not stated): gnomAD exomes below 0.00001.
gnomAD v4.1: 1 of 1,614,080 alleles (0.000062%); highest among the groups gnomAD compares: Non-Finnish European, 0.000085%; no homozygotes.

Submissions (2):

Ambry Genetics
Classification: Uncertain significance for Hereditary cancer-predisposing syndrome. Last evaluated: 2025-09-12. Review status: criteria provided, single submitter. Criteria: Ambry Variant Classification Scheme 2023. Collection method: clinical testing. Allele origin: germline.
Comment: The p.H791D variant (also known as c.2371C>G), located in coding exon 15 of the APC gene, results from a C to G substitution at nucleotide position 2371. The histidine at codon 791 is replaced by aspartic acid, an amino acid with similar properties. This amino acid position is conserved. In addition, in silico predictors for this gene do not accurately predict pathogenicity. Based on the available evidence, the clinical significance of this variant remains unclear.

Labcorp Genetics (formerly Invitae), Labcorp
Classification: Uncertain significance for Familial adenomatous polyposis 1. Last evaluated: 2021-08-26. Review status: criteria provided, single submitter. Criteria: Invitae Variant Classification Sherloc (09022015). Collection method: clinical testing. Allele origin: germline.
Comment: This sequence change replaces histidine with aspartic acid at codon 791 of the APC protein (p.His791Asp). The histidine residue is highly conserved and there is a moderate physicochemical difference between histidine and aspartic acid. This variant is not present in population databases (ExAC no frequency). This variant has not been reported in the literature in individuals affected with APC-related conditions. ClinVar contains an entry for this variant (Variation ID: 411446). Algorithms developed to predict the effect of missense changes on protein structure and function are either unavailable or do not agree on the potential impact of this missense change (SIFT: "Tolerated"; PolyPhen-2: "Possibly Damaging"; Align-GVGD: "Class C0"). In summary, the available evidence is currently insufficient to determine the role of this variant in disease. Therefore, it has been classified as a Variant of Uncertain Significance.